The following is an entry in ClinVar:

ClinVar aggregate classification (germline): Uncertain significance (1 of 4 stars; one submission).

Conditions:
Alstrom syndrome (ALMS). Identifiers: Orphanet 64, MedGen C0268425, MONDO:0008763, OMIM 203800.

Submission:

Labcorp Genetics (formerly Invitae), Labcorp
Classification: Uncertain significance for Alstrom syndrome. Last evaluated: 2021-06-01. Review status: criteria provided, single submitter. Criteria: Invitae Variant Classification Sherloc (09022015). Collection method: clinical testing. Allele origin: germline.
Comment: In summary, the available evidence is currently insufficient to determine the role of this variant in disease. Therefore, it has been classified as a Variant of Uncertain Significance. Experimental studies and prediction algorithms are not available or were not evaluated, and the functional significance of this variant is currently unknown. This variant has not been reported in the literature in individuals with ALMS1-related conditions. This variant is not present in population databases (ExAC no frequency). This sequence change replaces cysteine with arginine at codon 2994 of the ALMS1 protein (p.Cys2994Arg). The cysteine residue is moderately conserved and there is a large physicochemical difference between cysteine and arginine.

NM_001378454.1(ALMS1):c.8977T>C (p.Cys2993Arg)

Gene: ALMS1 (ALMS1 centrosome and basal body associated protein; plus strand). Cytogenetic location: 2p13.1.
Variant type: single nucleotide variant.
Coding change: c.8977T>C on transcript NM_001378454.1 (MANE Select); coding-DNA position 8977, T replaced by C.
Protein change: p.Cys2993Arg; replaces cysteine 2993 with arginine.
Molecular consequence: missense variant.
Genome position (GRCh38, 1-based): chr2:73,490,936, T>C. VCF-style: chr2-73490936-T-C. GRCh37 (hg19) VCF-style: chr2-73718063-T-C.
Other names: c.8980T>C, p.Cys2994Arg (NM_015120.4); short protein forms C2993R, C2994R.
Identifiers: ClinVar variation 1357843 (VCV001357843.6), dbSNP rs2103894140, ClinGen allele CA347272077.